The following is an entry in ClinVar:

NM_022124.6(CDH23):c.9373T>C (p.Phe3125Leu)

Gene: CDH23 (cadherin related 23; plus strand). Cytogenetic location: 10q22.1.
Variant type: single nucleotide variant.
Coding change: c.9373T>C on transcript NM_022124.6 (MANE Select); coding-DNA position 9373, T replaced by C.
Protein change: p.Phe3125Leu; replaces phenylalanine 3125 with leucine.
Molecular consequence: missense variant. On other transcripts: 5 prime UTR variant (2).
Genome position (GRCh38, 1-based): chr10:71,812,008, T>C. VCF-style: chr10-71812008-T-C. GRCh37 (hg19) VCF-style: chr10-73571765-T-C.
Other names: p.F3125L:TTT>CTT; c.2653T>C, p.Phe885Leu (NM_001171933.1, NM_001171934.1); c.-284T>C (NM_001171935.1, NM_001171936.1); short protein forms F3125L, F885L.
Identifiers: ClinVar variation 46072 (VCV000046072.37), dbSNP rs45583140, ClinGen allele CA137636.

ClinVar aggregate classification (germline): Benign/Likely benign. Review status: criteria provided, multiple submitters, no conflicts (2 of 4 stars). 15 submissions from 13 submitters: Benign (11); Likely benign (2). 2 of the submissions do not count toward it. Last evaluated 2026-06-19.

Conditions:
Usher syndrome type 1 (USH1). Also called: RETINITIS PIGMENTOSA AND CONGENITAL DEAFNESS. Identifiers: Orphanet 231169, Orphanet 886, MedGen C1568247, MONDO:0010168, OMIM 276900.
Retinitis pigmentosa-deafness syndrome. Also called: RETINITIS PIGMENTOSA 21; RETINITIS PIGMENTOSA 8; Retinitis pigmentosa 8, formerly; RP8, formerly; Retinitis pigmentosa 21, formerly; RP21, formerly. Identifiers: MedGen C5779620, MONDO:0010775, OMIM 500004.
Usher syndrome type 1D (USH1D). Also called: USHER SYNDROME, TYPE ID. Identifiers: Orphanet 231169, Orphanet 886, MedGen C1832845, MONDO:0010984, OMIM 601067.
Autosomal recessive nonsyndromic hearing loss 12. Also called: DEAFNESS, AUTOSOMAL RECESSIVE 12. Identifiers: Orphanet 90636, MedGen C1832394, MONDO:0011067, OMIM 601386.

Allele frequency attached by ClinVar (database versions not stated): TOPMed 0.04438; gnomAD exomes 0.05026 and 0.07392; ExAC 0.06972; gnomAD 0.04021 and 0.04549; ESP Exome Variant Server 0.02552; 1000 Genomes Project 30x 0.09260; 1000 Genomes Project 0.09545.
gnomAD v4.1: 80,804 of 1,612,768 alleles (5%); highest among the groups gnomAD compares: East Asian, 27%; 3,770 homozygotes.

Submissions (15):

Women's Health and Genetics/Laboratory Corporation of America, LabCorp
Classification: Likely benign. Last evaluated: 2026-06-19. Review status: criteria provided, single submitter. Criteria: LabCorp Variant Classification Summary - May 2015. Collection method: clinical testing. Allele origin: germline.

Labcorp Genetics (formerly Invitae), Labcorp
Classification: Benign. Last evaluated: 2026-02-04. Review status: criteria provided, single submitter. Criteria: Invitae Variant Classification Sherloc (09022015). Collection method: clinical testing. Allele origin: germline.

ARUP Laboratories, Molecular Genetics and Genomics, ARUP Laboratories
Classification: Benign. Last evaluated: 2023-11-08. Review status: criteria provided, single submitter. Criteria: ARUP Molecular Germline Variant Investigation Process 2024. Collection method: clinical testing. Allele origin: germline.

Genome-Nilou Lab
Classification: Benign for Usher syndrome type 1D. Last evaluated: 2021-07-01. Review status: criteria provided, single submitter. Criteria: ACMG Guidelines, 2015. Collection method: clinical testing. Allele origin: germline. Affected: no.

Genome-Nilou Lab
Classification: Benign for Autosomal recessive nonsyndromic hearing loss 12. Last evaluated: 2021-07-01. Review status: criteria provided, single submitter. Criteria: ACMG Guidelines, 2015. Collection method: clinical testing. Allele origin: germline. Affected: no.

Mayo Clinic Laboratories, Mayo Clinic
Classification: Benign. Last evaluated: 2021-02-18. Review status: criteria provided, single submitter. Criteria: ACMG Guidelines, 2015. Collection method: clinical testing. Allele origin: germline. Observed: 17 variant alleles.

Mendelics
Classification: Benign for Retinitis pigmentosa-deafness syndrome. Last evaluated: 2019-05-28. Review status: criteria provided, single submitter. Criteria: Mendelics Assertion Criteria 2017. Collection method: clinical testing. Allele origin: unknown.

Illumina Laboratory Services, Illumina
Classification: Benign for Autosomal recessive nonsyndromic hearing loss 12. Last evaluated: 2018-01-13. Review status: criteria provided, single submitter. Criteria: ICSL Variant Classification Criteria 13 December 2019. Collection method: clinical testing. Allele origin: germline.
Comment: This variant was observed in the ICSL laboratory as part of a predisposition screen in an ostensibly healthy population. It had not been previously curated by ICSL or reported in the Human Gene Mutation Database (HGMD: prior to June 1st, 2018), and was therefore a candidate for classification through an automated scoring system. Utilizing variant allele frequency, disease prevalence and penetrance estimates, and inheritance mode, an automated score was calculated to assess if this variant is too frequent to cause the disease. Based on the score and internal cut-off values, a variant classified as benign is not then subjected to further curation. The score for this variant resulted in a classification of benign for this disease.

Illumina Laboratory Services, Illumina
Classification: Benign for Usher syndrome type 1D. Last evaluated: 2018-01-13. Review status: criteria provided, single submitter. Criteria: ICSL Variant Classification Criteria 13 December 2019. Collection method: clinical testing. Allele origin: germline.
Comment: the same text as in the submission from Illumina Laboratory Services, Illumina above.

GeneDx
Classification: Benign. Last evaluated: 2013-05-02. Review status: criteria provided, single submitter. Criteria: GeneDx Variant Classification (06012015). Collection method: clinical testing. Allele origin: germline. Affected: yes.
Comment: This variant is considered likely benign or benign based on one or more of the following criteria: it is a conservative change, it occurs at a poorly conserved position in the protein, it is predicted to be benign by multiple in silico algorithms, and/or has population frequency not consistent with disease.

Laboratory for Molecular Medicine, Mass General Brigham Personalized Medicine
Classification: Benign. Last evaluated: 2009-06-12. Review status: criteria provided, single submitter. Criteria: LMM Criteria. Collection method: clinical testing. Allele origin: germline. Observed: 233 variant alleles.

Breakthrough Genomics
Classification: Likely benign. Review status: criteria provided, single submitter. Criteria: ACMG Guidelines, 2015. Collection method: not provided. Allele origin: germline. Inheritance: Autosomal recessive inheritance. Affected: yes.

PreventionGenetics, part of Exact Sciences
Classification: Benign. Review status: criteria provided, single submitter. Criteria: ACMG Guidelines, 2015. Collection method: clinical testing. Allele origin: germline.

Natera, Inc.
Classification: Benign for Usher syndrome type 1. Last evaluated: 2020-09-16. Review status: no assertion criteria provided. Collection method: clinical testing. Allele origin: germline. Not counted in ClinVar's aggregate classification.

NEI Ophthalmic Genomics Laboratory, National Institutes of Health
No classification provided. Review status: no classification provided. Collection method: not provided. Allele origin: not provided. Not counted in ClinVar's aggregate classification.

Literature cited by the submitters: PubMed 18429043 (cited by Laboratory for Molecular Medicine, Mass General Brigham Personalized Medicine).